The following is an entry in ClinVar:

ClinVar aggregate classification (germline): Benign. Review status: criteria provided, multiple submitters, no conflicts (2 of 4 stars). 3 submissions from 3 submitters: Benign (3). Last evaluated 2019-01-18.

Conditions:
Fanconi anemia complementation group J. Also called: BRIP1-Related Fanconi Anemia. Identifiers: Orphanet 84, MedGen C1836860, MONDO:0012187, OMIM 609054.

Allele frequency attached by ClinVar (database versions not stated): gnomAD 0.61151 and 0.61289; gnomAD exomes 0.62033; 1000 Genomes Project 0.62600; 1000 Genomes Project 30x 0.63086; TOPMed 0.64077.
gnomAD v4.1: 117,034 of 191,258 alleles (61%); highest among the groups gnomAD compares: East Asian, 74%; 36,575 homozygotes.

Submissions (3):

GeneDx
Classification: Benign. Last evaluated: 2019-01-18. Review status: criteria provided, single submitter. Criteria: GeneDx Variant Classification Process June 2021. Collection method: clinical testing. Allele origin: germline. Affected: yes.
Comment: This variant is associated with the following publications: (PMID: 26711789)

Illumina Laboratory Services, Illumina
Classification: Benign for Fanconi anemia complementation group J. Last evaluated: 2018-01-13. Review status: criteria provided, single submitter. Criteria: ICSL Variant Classification Criteria 13 December 2019. Collection method: clinical testing. Allele origin: germline.
Comment: This variant was observed in the ICSL laboratory as part of a predisposition screen in an ostensibly healthy population. It had not been previously curated by ICSL or reported in the Human Gene Mutation Database (HGMD: prior to June 1st, 2018), and was therefore a candidate for classification through an automated scoring system. Utilizing variant allele frequency, disease prevalence and penetrance estimates, and inheritance mode, an automated score was calculated to assess if this variant is too frequent to cause the disease. Based on the score and internal cut-off values, a variant classified as benign is not then subjected to further curation. The score for this variant resulted in a classification of benign for this disease.

Breakthrough Genomics
Classification: Benign. Review status: criteria provided, single submitter. Criteria: ACMG Guidelines, 2015. Collection method: not provided. Allele origin: germline. Inheritance: Autosomal dominant inheritance. Affected: yes.

NM_032043.3(BRIP1):c.*483C>T

Gene: BRIP1 (BRCA1 interacting DNA helicase 1; minus strand). Cytogenetic location: 17q23.2.
Variant type: single nucleotide variant.
Coding change: c.*483C>T on transcript NM_032043.3 (MANE Select); 483 bases downstream of the stop codon, C replaced by T.
Molecular consequence: 3 prime UTR variant.
Genome position (GRCh38, 1-based): chr17:61,682,813, G>A on the plus strand (C>T on the coding strand, the complement: BRIP1 is on the minus strand). VCF-style: chr17-61682813-G-A. GRCh37 (hg19) VCF-style: chr17-59760174-G-A.
Identifiers: ClinVar variation 324335 (VCV000324335.7), dbSNP rs7213430, ClinGen allele CA10640128.